The following is an entry in ClinVar:

NM_052989.3(IFT122):c.3575G>A (p.Trp1192Ter)

Gene: IFT122 (intraflagellar transport 122; plus strand). Cytogenetic location: 3q22.1.
Variant type: single nucleotide variant.
Coding change: c.3575G>A on transcript NM_052989.3 (MANE Select); coding-DNA position 3575, G replaced by A.
Protein change: p.Trp1192Ter; replaces tryptophan 1192 with a stop codon.
Molecular consequence: nonsense.
Genome position (GRCh38, 1-based): chr3:129,519,671, G>A. VCF-style: chr3-129519671-G-A. GRCh37 (hg19) VCF-style: chr3-129238514-G-A.
Other names: c.3554G>A, p.Trp1185Ter (NM_001280541.2); c.3125G>A, p.Trp1042Ter (NM_001280545.2); c.2948G>A, p.Trp983Ter (NM_001280546.2); c.3578G>A, p.Trp1193Ter (NM_001410808.1); c.3521G>A, p.Trp1174Ter (NM_001410809.1); c.3401G>A, p.Trp1134Ter (NM_001410810.1); c.3347G>A, p.Trp1116Ter (NM_001410811.1); c.3344G>A, p.Trp1115Ter (NM_001410813.1); and 5 more; short protein forms W1082*, W1115*, W1133*, W1134*, W1192*, W1193*, W1042*, W1174*.
Identifiers: ClinVar variation 2800797 (VCV002800797.3), dbSNP rs2532968237, ClinGen allele CA354492129.
Genomic context (GRCh38, chr3:129,519,671, plus strand): 5'-TGCTGCGCTCCATGAGCCGCCGGGATGTCCTCATCAAGCGATGGCCCCCACCCCTGAGGT[G>A]GCAATACTTCCGCTCACTGCTGCCTGACGCCTCCATTACCATGTGCCCCTCCTGCTTCCA-3'

ClinVar aggregate classification (germline): Pathogenic (1 of 4 stars; one submission).

Conditions:
Cranioectodermal dysplasia 1 (CED1). Also called: LEVIN SYNDROME I. Identifiers: Orphanet 1515, MedGen C0432235, MONDO:0021093, OMIM 218330.

Submission:

Labcorp Genetics (formerly Invitae), Labcorp
Classification: Pathogenic for Cranioectodermal dysplasia 1. Last evaluated: 2023-01-22. Review status: criteria provided, single submitter. Criteria: Invitae Variant Classification Sherloc (09022015). Collection method: clinical testing. Allele origin: germline.
Comment: For these reasons, this variant has been classified as Pathogenic. Algorithms developed to predict the effect of sequence changes on RNA splicing suggest that this variant may create or strengthen a splice site. This variant has not been reported in the literature in individuals affected with IFT122-related conditions. This variant is not present in population databases (gnomAD no frequency). This sequence change creates a premature translational stop signal (p.Trp1243*) in the IFT122 gene. It is expected to result in an absent or disrupted protein product. Loss-of-function variants in IFT122 are known to be pathogenic (PMID: 20493458, 23826986, 26792575).

Literature cited by the submitters: PubMed 20493458; PubMed 23826986; PubMed 26792575.